The following is an entry in ClinVar:

ClinVar aggregate classification (germline): Benign/Likely benign. Review status: criteria provided, multiple submitters, no conflicts (2 of 4 stars). 4 submissions from 4 submitters: Benign (2); Likely benign (2). Last evaluated 2026-01-06.

Allele frequency attached by ClinVar (database versions not stated): gnomAD exomes 0.00110 and 0.00245; ExAC 0.00300; 1000 Genomes Project 30x 0.00937; 1000 Genomes Project 0.00958; gnomAD 0.00978 and 0.01042; ESP Exome Variant Server 0.01051; TOPMed 0.01072.
gnomAD v4.1: 3,142 of 1,613,564 alleles (0.19%); highest among the groups gnomAD compares: African/African-American, 3.6%; 58 homozygotes.

Submissions (4):

Labcorp Genetics (formerly Invitae), Labcorp
Classification: Benign. Last evaluated: 2026-01-06. Review status: criteria provided, single submitter. Criteria: Invitae Variant Classification Sherloc (09022015). Collection method: clinical testing. Allele origin: germline.

Mayo Clinic Laboratories, Mayo Clinic
Classification: Benign. Last evaluated: 2023-04-04. Review status: criteria provided, single submitter. Criteria: ACMG Guidelines, 2015. Collection method: clinical testing. Allele origin: germline. Observed: 4 variant alleles.
Comment: BS1, BS2

GeneDx
Classification: Likely benign. Last evaluated: 2020-03-25. Review status: criteria provided, single submitter. Criteria: GeneDx Variant Classification Process June 2021. Collection method: clinical testing. Allele origin: germline. Affected: yes.

Breakthrough Genomics
Classification: Likely benign. Review status: criteria provided, single submitter. Criteria: ACMG Guidelines, 2015. Collection method: not provided. Allele origin: germline. Inheritance: Unknown mechanism. Affected: yes.

NM_005245.4(FAT1):c.9901T>C (p.Tyr3301His)

Gene: FAT1 (FAT atypical cadherin 1; minus strand). Cytogenetic location: 4q35.2.
Variant type: single nucleotide variant.
Coding change: c.9901T>C on transcript NM_005245.4 (MANE Select); coding-DNA position 9901, T replaced by C.
Protein change: p.Tyr3301His; replaces tyrosine 3301 with histidine.
Molecular consequence: missense variant.
Genome position (GRCh38, 1-based): chr4:186,609,968, A>G on the plus strand (T>C on the coding strand, the complement: FAT1 is on the minus strand). VCF-style: chr4-186609968-A-G. GRCh37 (hg19) VCF-style: chr4-187531122-A-G.
Other names: p.Tyr3301His; short protein forms Y3301H.
Identifiers: ClinVar variation 778166 (VCV000778166.13), dbSNP rs73873659, ClinGen allele CA3165528.